The following is an entry in ClinVar:

ClinVar aggregate classification (germline): Uncertain significance (1 of 4 stars; one submission).

Submission:

Ambry Genetics
Classification: Uncertain significance. Last evaluated: 2022-11-23. Review status: criteria provided, single submitter. Criteria: Ambry Variant Classification Scheme 2023. Collection method: clinical testing. Allele origin: germline.
Comment: The p.S154Y variant (also known as c.461C>A), located in coding exon 3 of the ALPK2 gene, results from a C to A substitution at nucleotide position 461. The serine at codon 154 is replaced by tyrosine, an amino acid with dissimilar properties. This amino acid position is conserved. In addition, this alteration is predicted to be tolerated by in silico analysis. Since supporting evidence is limited at this time, the clinical significance of this alteration remains unclear.

NM_052947.4(ALPK2):c.461C>A (p.Ser154Tyr)

Gene: ALPK2 (alpha kinase 2; minus strand). Cytogenetic location: 18q21.31.
Variant type: single nucleotide variant.
Coding change: c.461C>A on transcript NM_052947.4 (MANE Select); coding-DNA position 461, C replaced by A.
Protein change: p.Ser154Tyr; replaces serine 154 with tyrosine.
Molecular consequence: missense variant.
Genome position (GRCh38, 1-based): chr18:58,580,315, G>T on the plus strand (C>A on the coding strand, the complement: ALPK2 is on the minus strand). VCF-style: chr18-58580315-G-T. GRCh37 (hg19) VCF-style: chr18-56247547-G-T.
Other names: short protein forms S154Y.
Identifiers: ClinVar variation 2449207 (VCV002449207.2), dbSNP rs2518900216, ClinGen allele CA402567915.